The following is an entry in ClinVar:

NM_014319.5(LEMD3):c.543G>T (p.Glu181Asp)

Gene: LEMD3 (LEM domain containing 3; plus strand). Cytogenetic location: 12q14.3.
Variant type: single nucleotide variant.
Coding change: c.543G>T on transcript NM_014319.5 (MANE Select); coding-DNA position 543, G replaced by T.
Protein change: p.Glu181Asp; replaces glutamic acid 181 with aspartic acid.
Molecular consequence: missense variant.
Genome position (GRCh38, 1-based): chr12:65,170,139, G>T. VCF-style: chr12-65170139-G-T. GRCh37 (hg19) VCF-style: chr12-65563919-G-T.
Other names: c.543G>T, p.Glu181Asp (NM_001167614.2); short protein forms E181D.
Identifiers: ClinVar variation 4746408 (VCV004746408.1).

ClinVar aggregate classification (germline): Uncertain significance (1 of 4 stars; one submission).

Submission:

Labcorp Genetics (formerly Invitae), Labcorp
Classification: Uncertain significance. Last evaluated: 2025-12-01. Review status: criteria provided, single submitter. Criteria: Invitae Variant Classification Sherloc (09022015). Collection method: clinical testing. Allele origin: germline.
Comment: This sequence change replaces glutamic acid, which is acidic and polar, with aspartic acid, which is acidic and polar, at codon 181 of the LEMD3 protein (p.Glu181Asp). This variant is not present in population databases (gnomAD no frequency). This variant has not been reported in the literature in individuals affected with LEMD3-related conditions. Invitae Evidence Modeling of protein sequence and biophysical properties (such as structural, functional, and spatial information, amino acid conservation, physicochemical variation, residue mobility, and thermodynamic stability) indicates that this missense variant is not expected to disrupt LEMD3 protein function with a negative predictive value of 80%. In summary, the available evidence is currently insufficient to determine the role of this variant in disease. Therefore, it has been classified as a Variant of Uncertain Significance.